The following is an entry in ClinVar:

ClinVar aggregate classification (germline): Uncertain significance (1 of 4 stars; one submission).

Submission:

GeneDx
Classification: Uncertain significance. Last evaluated: 2023-10-30. Review status: criteria provided, single submitter. Criteria: GeneDx Variant Classification Process June 2021. Collection method: clinical testing. Allele origin: germline. Affected: yes.
Comment: Not observed at significant frequency in large population cohorts (gnomAD); In silico analysis supports that this missense variant has a deleterious effect on protein structure/function; Has not been previously published as pathogenic or benign to our knowledge

NM_001349338.3(FOXP1):c.1035G>A (p.Met345Ile)

Gene: FOXP1 (forkhead box P1; minus strand). Cytogenetic location: 3p13.
Variant type: single nucleotide variant.
Coding change: c.1035G>A on transcript NM_001349338.3 (MANE Select); coding-DNA position 1035, G replaced by A.
Protein change: p.Met345Ile; replaces methionine 345 with isoleucine.
Molecular consequence: missense variant.
Genome position (GRCh38, 1-based): chr3:71,000,999, C>T on the plus strand (G>A on the coding strand, the complement: FOXP1 is on the minus strand). VCF-style: chr3-71000999-C-T. GRCh37 (hg19) VCF-style: chr3-71050150-C-T.
Other names: c.1035G>A, p.Met345Ile (NM_001244808.3, NM_001244810.2, NM_001244814.3 and 3 more transcripts); c.807G>A, p.Met269Ile (NM_001244812.3); c.735G>A, p.Met245Ile (NM_001244813.3, NM_001244815.2, NM_001349342.3 and 1 more transcripts); c.732G>A, p.Met244Ile (NM_001349337.2, NM_001349343.3, NM_001349344.3); c.1032G>A, p.Met344Ile (NM_001349341.3); short protein forms M244I, M245I, M269I, M344I, M345I.
Identifiers: ClinVar variation 3363651 (VCV003363651.1).